The following is an entry in ClinVar:

NM_201384.3(PLEC):c.4676G>A (p.Arg1559Gln)

Gene: PLEC (plectin; minus strand). Cytogenetic location: 8q24.3.
Variant type: single nucleotide variant.
Coding change: c.4676G>A on transcript NM_201384.3 (MANE Select); coding-DNA position 4676, G replaced by A.
Protein change: p.Arg1559Gln; replaces arginine 1559 with glutamine.
Molecular consequence: missense variant.
Genome position (GRCh38, 1-based): chr8:143,925,253, C>T on the plus strand (G>A on the coding strand, the complement: PLEC is on the minus strand). VCF-style: chr8-143925253-C-T. GRCh37 (hg19) VCF-style: chr8-144999421-C-T.
Other names: c.4757G>A, p.Arg1586Gln (NM_000445.5); c.4634G>A, p.Arg1545Gln (NM_201378.4); c.4610G>A, p.Arg1537Gln (NM_201379.3); c.5087G>A, p.Arg1696Gln (NM_201380.4); c.4580G>A, p.Arg1527Gln (NM_201381.3); c.4676G>A, p.Arg1559Gln (NM_201382.4); c.4688G>A, p.Arg1563Gln (NM_201383.3); short protein forms R1537Q, R1559Q, R1545Q, R1563Q, R1696Q, R1527Q, R1586Q.
Identifiers: ClinVar variation 659895 (VCV000659895.52), dbSNP rs371895113, ClinGen allele CA4926576.

ClinVar aggregate classification (germline): Conflicting classifications of pathogenicity. Review status: criteria provided, conflicting classifications (1 of 4 stars). 4 submissions from 4 submitters: Uncertain significance (3); Likely benign (1). Last evaluated 2025-10-23.

Conditions:
Autosomal recessive limb-girdle muscular dystrophy type 2Q (LGMDR17). Also called: MUSCULAR DYSTROPHY, LIMB-GIRDLE, AUTOSOMAL RECESSIVE 17. Identifiers: Orphanet 254361, MedGen C3150989, MONDO:0013390, OMIM 613723.
Epidermolysis bullosa simplex with nail dystrophy (EBS5D). Identifiers: MedGen C4225309, MONDO:0014661, OMIM 616487.
Epidermolysis bullosa simplex 5B, with muscular dystrophy (EBS5B). Also called: Epidermolysis bullosa simplex with muscular dystrophy; EPIDERMOLYSIS BULLOSA SIMPLEX AND LIMB-GIRDLE MUSCULAR DYSTROPHY. Identifiers: Orphanet 257, MedGen C2931072, MONDO:0009181, OMIM 226670.
Epidermolysis bullosa simplex, Ogna type (EBS5A). Also called: EPIDERMOLYSIS BULLOSA SIMPLEX 5A, OGNA TYPE; Pidermolysis bullosa simplex 5A, Ogna type. Identifiers: Orphanet 79401, MedGen C0432317, MONDO:0007555, OMIM 131950.
Epidermolysis bullosa simplex 5C, with pyloric atresia (EBS5C). Also called: PLEC-Related Epidermolysis Bullosa with Pyloric Atresia; PLEC1-Related Epidermolysis Bullosa with Pyloric Atresia; Epidermolysis bullosa simplex with pyloric atresia. Identifiers: Orphanet 158684, MedGen C2677349, MONDO:0012807, OMIM 612138.

Allele frequency attached by ClinVar (database versions not stated): gnomAD exomes 0.00010 and 0.00011; ExAC 0.00016; gnomAD 0.00016 and 0.00018; TOPMed 0.00019; ESP Exome Variant Server 0.00020; 1000 Genomes Project 30x 0.00031.
gnomAD v4.1: 168 of 1,584,276 alleles (0.011%); highest among the groups gnomAD compares: African/African-American, 0.034%; no homozygotes.

Submissions (4):

Labcorp Genetics (formerly Invitae), Labcorp
Classification: Uncertain significance for Autosomal recessive limb-girdle muscular dystrophy type 2Q; Epidermolysis bullosa simplex, Ogna type; Epidermolysis bullosa simplex with nail dystrophy; Epidermolysis bullosa simplex 5C, with pyloric atresia; Epidermolysis bullosa simplex 5B, with muscular dystrophy. Last evaluated: 2025-10-23. Review status: criteria provided, single submitter. Criteria: Invitae Variant Classification Sherloc (09022015). Collection method: clinical testing. Allele origin: germline.
Comment: This sequence change replaces arginine, which is basic and polar, with glutamine, which is neutral and polar, at codon 1586 of the PLEC protein (p.Arg1586Gln). This variant is present in population databases (rs371895113, gnomAD 0.03%). This variant has not been reported in the literature in individuals affected with PLEC-related conditions. ClinVar contains an entry for this variant (Variation ID: 659895). Invitae Evidence Modeling of protein sequence and biophysical properties (such as structural, functional, and spatial information, amino acid conservation, physicochemical variation, residue mobility, and thermodynamic stability) indicates that this missense variant is not expected to disrupt PLEC protein function with a negative predictive value of 80%. In summary, the available evidence is currently insufficient to determine the role of this variant in disease. Therefore, it has been classified as a Variant of Uncertain Significance.

Revvity Omics, Revvity
Classification: Uncertain significance. Last evaluated: 2025-04-16. Review status: criteria provided, single submitter. Criteria: ACMG Guidelines, 2015. Collection method: clinical testing. Allele origin: germline.

GeneDx
Classification: Likely benign. Last evaluated: 2018-03-16. Review status: criteria provided, single submitter. Criteria: GeneDx Variant Classification (06012015). Collection method: clinical testing. Allele origin: germline. Affected: yes.
Comment: This variant is considered likely benign or benign based on one or more of the following criteria: it is a conservative change, it occurs at a poorly conserved position in the protein, it is predicted to be benign by multiple in silico algorithms, and/or has population frequency not consistent with disease.

CeGaT Center for Human Genetics Tuebingen
Classification: Uncertain significance. Last evaluated: 2016-07-01. Review status: criteria provided, single submitter. Criteria: CeGaT Center For Human Genetics Tuebingen Variant Classification Criteria Version 2. Collection method: clinical testing. Allele origin: germline. Affected: yes. Observed: 1 variant allele.